The following is an entry in ClinVar:

ClinVar aggregate classification (germline): Pathogenic (1 of 4 stars; one submission).

Conditions:
Spastic paraplegia. Identifiers: MedGen C0037772, HP:0001258.

Submission:

Labcorp Genetics (formerly Invitae), Labcorp
Classification: Pathogenic for Spastic paraplegia. Last evaluated: 2023-08-22. Review status: criteria provided, single submitter. Criteria: Invitae Variant Classification Sherloc (09022015). Collection method: clinical testing. Allele origin: germline.
Comment: For these reasons, this variant has been classified as Pathogenic. This variant disrupts a region of the SACS protein in which other variant(s) (p.Asn4549Asp) have been determined to be pathogenic (PMID: 15156359, 21507954). This suggests that this is a clinically significant region of the protein, and that variants that disrupt it are likely to be disease-causing. This variant has not been reported in the literature in individuals affected with SACS-related conditions. This variant is not present in population databases (gnomAD no frequency). This sequence change creates a premature translational stop signal (p.Thr1079Asnfs*33) in the SACS gene. While this is not anticipated to result in nonsense mediated decay, it is expected to disrupt the last 3501 amino acid(s) of the SACS protein.

Literature cited by the submitters: PubMed 15156359; PubMed 21507954.

NM_014363.6(SACS):c.3235dup (p.Thr1079fs)

Gene: SACS (sacsin molecular chaperone; minus strand). Cytogenetic location: 13q12.12.
Variant type: Duplication.
Coding change: c.3235dup on transcript NM_014363.6 (MANE Select); coding-DNA position 3235, one base duplicated (A; older notation c.3235dupA).
Protein change: p.Thr1079fs; shifts the reading frame from threonine 1079.
Molecular consequence: frameshift variant.
Genome position (GRCh38, 1-based): chr13:23,340,641, T duplicated on the plus strand (A on the coding strand, the reverse complement: SACS is on the minus strand). VCF-style (leftmost placement, unchanged base first): chr13-23340640-G-GT. GRCh37 (hg19) VCF-style: chr13-23914779-G-GT.
Other names: c.2794dup, p.Thr932fs (NM_001278055.2); short protein forms T932fs, T1079fs.
Identifiers: ClinVar variation 2884301 (VCV002884301.3), dbSNP rs2542298948, ClinGen allele CA2739277474.